The following is an entry in ClinVar:

ClinVar aggregate classification (germline): Benign/Likely benign. Review status: criteria provided, multiple submitters, no conflicts (2 of 4 stars). 3 submissions from 3 submitters: Benign (1); Likely benign (2). Last evaluated 2026-01-16.

Conditions:
Hereditary cancer-predisposing syndrome. Also called: Neoplastic Syndromes, Hereditary; Hereditary Cancer Syndrome; Tumor predisposition; Hereditary neoplastic syndrome. Identifiers: Orphanet 140162, MedGen C0027672, MeSH D009386, MONDO:0015356.
Hereditary diffuse gastric adenocarcinoma (HDGC). Also called: DIFFUSE GASTRIC AND LOBULAR BREAST CANCER SYNDROME. Identifiers: Orphanet 26106, MedGen C1708349, MONDO:0007648, OMIM 137215.

gnomAD v4.1: 3 of 1,614,200 alleles (0.00019%); highest among the groups gnomAD compares: Admixed American, 0.005%; no homozygotes.

Submissions (3):

Labcorp Genetics (formerly Invitae), Labcorp
Classification: Likely benign. Last evaluated: 2026-01-16. Review status: criteria provided, single submitter. Criteria: Invitae Variant Classification Sherloc (09022015). Collection method: clinical testing. Allele origin: germline.

Ambry Genetics
Classification: Likely benign for Hereditary cancer-predisposing syndrome. Last evaluated: 2025-12-02. Review status: criteria provided, single submitter. Criteria: Ambry Variant Classification Scheme 2023. Collection method: clinical testing. Allele origin: germline.

Myriad Genetics, Inc.
Classification: Benign for Hereditary diffuse gastric adenocarcinoma. Last evaluated: 2024-10-11. Review status: criteria provided, single submitter. Criteria: Myriad Autosomal Dominant, Autosomal Recessive and X-Linked Classification Criteria (2023). Collection method: clinical testing. Allele origin: unknown.
Comment: This variant is considered benign. This variant is a silent/synonymous amino acid change and it is not expected to impact splicing.

NM_001903.5(CTNNA1):c.1485C>A (p.Val495=)

Gene: CTNNA1 (catenin alpha 1; plus strand). Cytogenetic location: 5q31.2.
Variant type: single nucleotide variant.
Coding change: c.1485C>A on transcript NM_001903.5 (MANE Select); coding-DNA position 1485, C replaced by A.
Protein change: p.Val495=; no amino-acid change (valine 495 retained).
Molecular consequence: synonymous variant.
Genome position (GRCh38, 1-based): chr5:138,917,837, C>A. VCF-style: chr5-138917837-C-A. GRCh37 (hg19) VCF-style: chr5-138253526-C-A.
Other names: c.1485C>A, p.Val495= (NM_001290307.3, NM_001323982.2, NM_001323983.1 and 2 more transcripts); c.1176C>A, p.Val392= (NM_001290309.3); c.1116C>A, p.Val372= (NM_001290310.3); c.375C>A, p.Val125= (NM_001290312.1, NM_001323987.1, NM_001323988.1 and 17 more transcripts); c.1392C>A, p.Val464= (NM_001323986.2); c.36C>A, p.Val12= (NM_001324006.1, NM_001324007.1, NM_001324008.1 and 2 more transcripts); c.282C>A, p.Val94= (NM_001324011.1); c.132C>A, p.Val44= (NM_001324012.1, NM_001324013.1).
Identifiers: ClinVar variation 794821 (VCV000794821.16), dbSNP rs1232689446, ClinGen allele CA446596196.
Genomic context (GRCh38, chr5:138,917,837, plus strand): 5'-ACAGAGTAAACTGGCCCAAGAGAACATGGATCTTTTTAAAGAACAATGGGAAAAACAAGT[C>A]CGTGTTCTCACAGATGCTGTCGATGACATTACTTCCATTGATGACTTCTTGGCTGTCTCA-3'
Protein context (NP_001894.2, residues 485-505): DLFKEQWEKQ[Val495=]RVLTDAVDDI